The following is an entry in ClinVar:

ClinVar aggregate classification (germline): Uncertain significance (1 of 4 stars; one submission).

Conditions:
Inborn genetic diseases. Identifiers: MedGen C0950123, MeSH D030342.

Allele frequency attached by ClinVar (database versions not stated): TOPMed below 0.00001; ExAC 0.00001; gnomAD exomes 0.00001; gnomAD 0.00003.
gnomAD v4.1: 16 of 1,614,052 alleles (0.00099%); highest among the groups gnomAD compares: South Asian, 0.0055%; no homozygotes.

Submission:

Ambry Genetics
Classification: Uncertain significance for Inborn genetic diseases. Last evaluated: 2021-02-11. Review status: criteria provided, single submitter. Criteria: Ambry Variant Classification Scheme 2023. Collection method: clinical testing. Allele origin: germline.
Comment: The c.10235G>A (p.R3412Q) alteration is located in exon 43 (coding exon 43) of the KMT2C gene. This alteration results from a G to A substitution at nucleotide position 10235, causing the arginine (R) at amino acid position 3412 to be replaced by a glutamine (Q). The p.R3412Q alteration is predicted to be tolerated by in silico analysis. Based on insufficient or conflicting evidence, the clinical significance of this alteration remains unclear.

NM_170606.3(KMT2C):c.10235G>A (p.Arg3412Gln)

Gene: KMT2C (lysine methyltransferase 2C; minus strand). Cytogenetic location: 7q36.1.
Variant type: single nucleotide variant.
Coding change: c.10235G>A on transcript NM_170606.3 (MANE Select); coding-DNA position 10235, G replaced by A.
Protein change: p.Arg3412Gln; replaces arginine 3412 with glutamine.
Molecular consequence: missense variant.
Genome position (GRCh38, 1-based): chr7:152,163,342, C>T on the plus strand (G>A on the coding strand, the complement: KMT2C is on the minus strand). VCF-style: chr7-152163342-C-T. GRCh37 (hg19) VCF-style: chr7-151860427-C-T.
Other names: short protein forms R3412Q.
Identifiers: ClinVar variation 2228920 (VCV002228920.2), dbSNP rs755625836, ClinGen allele CA4579330.